The following is an entry in ClinVar:

NM_013391.3(DMGDH):c.1097A>G (p.Asn366Ser)

Gene: DMGDH (dimethylglycine dehydrogenase; minus strand). Cytogenetic location: 5q14.1.
Variant type: single nucleotide variant.
Coding change: c.1097A>G on transcript NM_013391.3 (MANE Select); coding-DNA position 1097, A replaced by G.
Protein change: p.Asn366Ser; replaces asparagine 366 with serine.
Molecular consequence: missense variant. On other transcripts: non-coding transcript variant (1).
Genome position (GRCh38, 1-based): chr5:79,042,379, T>C on the plus strand (A>G on the coding strand, the complement: DMGDH is on the minus strand). VCF-style: chr5-79042379-T-C. GRCh37 (hg19) VCF-style: chr5-78338202-T-C.
Other names: p.Asn366Ser; short protein forms N366S.
Identifiers: ClinVar variation 380102 (VCV000380102.16), dbSNP rs77116243, ClinGen allele CA3318815.
Genomic context (GRCh38, chr5:79,042,379, plus strand): 5'-TGATGGGGCCCCACCATAGGCAGAATGTCAGGAGAATACGTGATAGGACCATTGACAACA[T>C]TGATGATGTCAGCCTTTTTCAAGACAGGAACCATTTCCATGGCAGCTTTGATGTGTTCCA-3'
Protein context (NP_037523.2, residues 356-376): VPVLKKADII[Asn366Ser]VVNGPITYSP

ClinVar aggregate classification (germline): Benign. Review status: criteria provided, multiple submitters, no conflicts (2 of 4 stars). 4 submissions from 4 submitters: Benign (4). Last evaluated 2025-09-23.

Allele frequency attached by ClinVar (database versions not stated): 1000 Genomes Project 30x 0.00671; 1000 Genomes Project 0.00759; TOPMed 0.00873; gnomAD 0.00890 and 0.00913; ESP Exome Variant Server 0.00923; gnomAD exomes 0.01087; ExAC 0.01099.
gnomAD v4.1: 17,452 of 1,614,192 alleles (1.1%); highest among the groups gnomAD compares: Middle Eastern, 4.6%; 125 homozygotes.

Submissions (4):

Mayo Clinic Laboratories, Mayo Clinic
Classification: Benign. Last evaluated: 2025-09-23. Review status: criteria provided, single submitter. Criteria: ACMG Guidelines, 2015. Collection method: clinical testing. Allele origin: germline. Observed: 1 variant allele.
Comment: BS1, BS2, BP4

CeGaT Center for Human Genetics Tuebingen
Classification: Benign. Last evaluated: 2025-07-01. Review status: criteria provided, single submitter. Criteria: CeGaT Center For Human Genetics Tuebingen Variant Classification Criteria Version 2. Collection method: clinical testing. Allele origin: germline. Affected: yes. Observed: 2 variant alleles.
Comment: DMGDH: BP4, BS1, BS2

GeneDx
Classification: Benign. Last evaluated: 2016-03-07. Review status: criteria provided, single submitter. Criteria: GeneDx Variant Classification (06012015). Collection method: clinical testing. Allele origin: germline. Affected: yes.
Comment: This variant is considered likely benign or benign based on one or more of the following criteria: it is a conservative change, it occurs at a poorly conserved position in the protein, it is predicted to be benign by multiple in silico algorithms, and/or has population frequency not consistent with disease.

Breakthrough Genomics
Classification: Benign. Review status: criteria provided, single submitter. Criteria: ACMG Guidelines, 2015. Collection method: not provided. Allele origin: germline. Inheritance: Autosomal recessive inheritance. Affected: yes.